The following is an entry in ClinVar:

ClinVar aggregate classification (germline): Pathogenic/Likely pathogenic. Review status: criteria provided, multiple submitters, no conflicts (2 of 4 stars). 5 submissions from 5 submitters: Pathogenic (2); Likely pathogenic (3). Last evaluated 2026-01-17.

Conditions:
ACAD9-related disorder. Also called: ACAD9-related condition.
Acyl-CoA dehydrogenase 9 deficiency. Also called: MITOCHONDRIAL COMPLEX I DEFICIENCY, NUCLEAR TYPE 20; Acyl-CoA dehydrogenase family, member 9, deficiency of. Identifiers: Orphanet 99901, MedGen C4747517, MONDO:0012624, OMIM 611126.

Allele frequency attached by ClinVar (database versions not stated): ExAC 0.00001; gnomAD 0.00001; gnomAD exomes 0.00001; TOPMed 0.00002.

Submissions (5):

Labcorp Genetics (formerly Invitae), Labcorp
Classification: Pathogenic. Last evaluated: 2026-01-17. Review status: criteria provided, single submitter. Criteria: Invitae Variant Classification Sherloc (09022015). Collection method: clinical testing. Allele origin: germline.
Comment: This sequence change replaces arginine, which is basic and polar, with histidine, which is basic and polar, at codon 518 of the ACAD9 protein (p.Arg518His). This variant is present in population databases (rs781149699, gnomAD 0.005%). This missense change has been observed in individual(s) with mitochondrial complex I deficiency (PMID: 20816094, 25721401, 27290639, 28279569, 30025539). In at least one individual the data is consistent with being in trans (on the opposite chromosome) from a pathogenic variant. ClinVar contains an entry for this variant (Variation ID: 858760). Invitae Evidence Modeling of protein sequence and biophysical properties (such as structural, functional, and spatial information, amino acid conservation, physicochemical variation, residue mobility, and thermodynamic stability) indicates that this missense variant is not expected to disrupt ACAD9 protein function with a negative predictive value of 80%. Experimental studies have shown that this missense change affects ACAD9 function (PMID: 25721401). This variant disrupts the p.Arg518 amino acid residue in ACAD9. Other variant(s) that disrupt this residue have been determined to be pathogenic (PMID: 25721401, 28279569). This suggests that this residue is clinically significant, and that variants that disrupt this residue are likely to be disease-causing. For these reasons, this variant has been classified as Pathogenic.

Natera, Inc.
Classification: Likely pathogenic for ACAD9 deficiency. Last evaluated: 2026-01-12. Review status: criteria provided, single submitter. Criteria: Natera Variant Classification Schema (03/2026). Collection method: clinical testing. Allele origin: germline.
Comment: The c.1553G>A variant in ACAD9 is a missense variant predicted to cause substitution of arginine to histidine at amino acid 518. This variant is rare in the general population with a frequency below the threshold expected for the associated phenotype(s). This variant has been observed in one or more individuals affected with the associated recessive disease, as either homozygous or compound heterozygous with a second variant (PMID: 20816094, 25721401, 27290639). A different variant at the same position has been determined to be Pathogenic or Likely Pathogenic. Computational prediction algorithms indicate this variant is likely to affect gene or protein function. Given the available evidence, this variant is classified as Likely Pathogenic.

Fulgent Genetics
Classification: Likely pathogenic for Acyl-CoA dehydrogenase 9 deficiency. Last evaluated: 2024-01-08. Review status: criteria provided, single submitter. Criteria: ACMG Guidelines, 2015. Collection method: clinical testing. Allele origin: germline.

Baylor Genetics
Classification: Likely pathogenic for Acyl-CoA dehydrogenase 9 deficiency. Last evaluated: 2023-10-10. Review status: criteria provided, single submitter. Criteria: ACMG Guidelines, 2015. Collection method: clinical testing. Allele origin: unknown.

Blueprint Genetics
Classification: Pathogenic for ACAD9-related disorders. Last evaluated: 2023-09-05. Review status: criteria provided, single submitter. Criteria: ACMG Guidelines, 2015. Collection method: clinical testing. Allele origin: germline. Affected: yes. Observed: 1 variant allele.

Literature cited by the submitters: PubMed 20816094 (cited by Labcorp Genetics (formerly Invitae), Labcorp and Natera, Inc.); PubMed 25721401 (cited by Labcorp Genetics (formerly Invitae), Labcorp and Natera, Inc.); PubMed 27290639 (cited by Labcorp Genetics (formerly Invitae), Labcorp and Natera, Inc.); PubMed 28279569 (cited by Labcorp Genetics (formerly Invitae), Labcorp); PubMed 30025539 (cited by Labcorp Genetics (formerly Invitae), Labcorp).

NM_014049.5(ACAD9):c.1553G>A (p.Arg518His)

Gene: ACAD9 (acyl-CoA dehydrogenase family member 9; plus strand). Cytogenetic location: 3q21.3.
Variant type: single nucleotide variant.
Coding change: c.1553G>A on transcript NM_014049.5 (MANE Select); coding-DNA position 1553, G replaced by A.
Protein change: p.Arg518His; replaces arginine 518 with histidine.
Molecular consequence: missense variant. On other transcripts: non-coding transcript variant (1).
Genome position (GRCh38, 1-based): chr3:128,909,411, G>A. VCF-style: chr3-128909411-G-A. GRCh37 (hg19) VCF-style: chr3-128628254-G-A.
Other names: short protein forms R518H.
Identifiers: ClinVar variation 858760 (VCV000858760.15), dbSNP rs781149699, ClinGen allele CA2601585.